The following is an entry in ClinVar:

NM_001384910.1(GUCA1A):c.431A>G (p.Asp144Gly)

Genes: GUCA1ANB-GUCA1A (GUCA1ANB-GUCA1A readthrough; plus strand), GUCA1A (guanylate cyclase activator 1A; plus strand). Cytogenetic location: 6p21.1.
Variant type: single nucleotide variant.
Coding change: c.431A>G on transcript NM_001384910.1 (MANE Select); coding-DNA position 431, A replaced by G.
Protein change: p.Asp144Gly; replaces aspartic acid 144 with glycine.
Molecular consequence: missense variant.
Genome position (GRCh38, 1-based): chr6:42,178,881, A>G. VCF-style: chr6-42178881-A-G. GRCh37 (hg19) VCF-style: chr6-42146619-A-G.
Other names: c.431A>G, p.Asp144Gly (NM_000409.5, NM_001319061.2, NM_001319062.2); short protein forms D144G.
Identifiers: ClinVar variation 974934 (VCV000974934.1), dbSNP rs1768035083, ClinGen allele CA364109997.
Genomic context (GRCh38, chr6:42,178,881, plus strand): 5'-CCTGCAGCGATACCACCATGACTGCAGAGGAGTTCACCGATACAGTGTTCTCCAAGATTG[A>G]CGTCAACGGGGATGGTGAGGGGGCCGAGGAGGGGCTCCCCAGCGGAGGGGTCACCATGGA-3'
Protein context (NP_001371839.1, residues 134-154): EFTDTVFSKI[Asp144Gly]VNGDGELSLE

ClinVar aggregate classification (germline): Likely pathogenic (1 of 4 stars; one submission).

Conditions:
Cone dystrophy 3 (COD3). Also called: RETINAL CONE DYSTROPHY. Identifiers: Orphanet 1872, MedGen C1865869, MONDO:0011193, OMIM 602093.

Submission:

SIB Swiss Institute of Bioinformatics
Classification: Likely pathogenic for Cone dystrophy 3. Last evaluated: 2020-06-05. Review status: criteria provided, single submitter. Criteria: ACMG Guidelines, 2015. Collection method: curation. Allele origin: unknown.
Comment: This variant is interpreted as likely pathogenic for Cone dystrophy 3, autosomal dominant. The following ACMG Tag(s) were applied: Absent from controls (or at extremely low frequency if recessive) in Exome Sequencing Project, 1000 Genomes Project, or Exome Aggregation Consortium (PM2); Located in a mutational hot spot and/or critical and well-established functional domain (e.g., active site of an enzyme) without benign variation (PM1); Multiple lines of computational evidence support a deleterious effect on the gene or gene product (PP3); Cosegregation with disease in multiple affected family members in a gene definitively known to cause the disease (PP1); Well-established functional studies show a deleterious effect (PS3 downgraded to supporting).

Literature cited by the submitters: PubMed 32025184.